The following is an entry in ClinVar:

ClinVar aggregate classification (germline): Uncertain significance (1 of 4 stars; one submission).

Allele frequency attached by ClinVar (database versions not stated): gnomAD 0.00001; gnomAD exomes 0.00001; TOPMed 0.00002.
gnomAD v4.1: 10 of 1,559,948 alleles (0.00064%); highest among the groups gnomAD compares: African/African-American, 0.0068%; no homozygotes.

Submission:

Labcorp Genetics (formerly Invitae), Labcorp
Classification: Uncertain significance. Last evaluated: 2022-03-14. Review status: criteria provided, single submitter. Criteria: Invitae Variant Classification Sherloc (09022015). Collection method: clinical testing. Allele origin: germline.
Comment: In summary, the available evidence is currently insufficient to determine the role of this variant in disease. Therefore, it has been classified as a Variant of Uncertain Significance. Algorithms developed to predict the effect of missense changes on protein structure and function are either unavailable or do not agree on the potential impact of this missense change (SIFT: "Deleterious"; PolyPhen-2: "Not Available"; Align-GVGD: "Class C65"). This variant has not been reported in the literature in individuals affected with CYFIP2-related conditions. This variant is present in population databases (no rsID available, gnomAD 0.02%). This sequence change replaces arginine, which is basic and polar, with cysteine, which is neutral and slightly polar, at codon 1171 of the CYFIP2 protein (p.Arg1171Cys).

NM_001037333.3(CYFIP2):c.3511C>T (p.Arg1171Cys)

Genes: NIPAL4-DT (NIPAL4 divergent transcript; minus strand), CYFIP2 (cytoplasmic FMR1 interacting protein 2; plus strand), LOC126807569 (P300/CBP strongly-dependent group 1 enhancer GRCh37_chr5:156817055-156818254; plus strand). Cytogenetic location: 5q33.3.
Variant type: single nucleotide variant.
Coding change: c.3511C>T on transcript NM_001037333.3 (MANE Select); coding-DNA position 3511, C replaced by T.
Protein change: p.Arg1171Cys; replaces arginine 1171 with cysteine.
Molecular consequence: missense variant.
Genome position (GRCh38, 1-based): chr5:157,390,585, C>T. VCF-style: chr5-157390585-C-T. GRCh37 (hg19) VCF-style: chr5-156817593-C-T.
Other names: c.3433C>T, p.Arg1145Cys (NM_001291721.2); c.3586C>T, p.Arg1196Cys (NM_001291722.2); c.3511C>T, p.Arg1171Cys (NM_014376.4); short protein forms R1171C, R1145C, R1196C.
Identifiers: ClinVar variation 1951881 (VCV001951881.5), dbSNP rs895624559, ClinGen allele CA130182393.